The following is an entry in ClinVar:

NM_004863.4(SPTLC2):c.1423A>G (p.Met475Val)

Gene: SPTLC2 (serine palmitoyltransferase long chain base subunit 2; minus strand). Cytogenetic location: 14q24.3.
Variant type: single nucleotide variant.
Coding change: c.1423A>G on transcript NM_004863.4 (MANE Select); coding-DNA position 1423, A replaced by G.
Protein change: p.Met475Val; replaces methionine 475 with valine.
Molecular consequence: missense variant.
Genome position (GRCh38, 1-based): chr14:77,521,462, T>C on the plus strand (A>G on the coding strand, the complement: SPTLC2 is on the minus strand). VCF-style: chr14-77521462-T-C. GRCh37 (hg19) VCF-style: chr14-77987805-T-C.
Other names: short protein forms M475V.
Identifiers: ClinVar variation 2991669 (VCV002991669.3), dbSNP rs779636212, ClinGen allele CA7289170.
Genomic context (GRCh38, chr14:77,521,462, plus strand): 5'-TAAGGATAAGGACAGACTGGTCTGTGATCTGCAACAAAACGTACCCAATTTTGGCAGGCA[T>C]GTAGAGCATCAAAGGCACTACTGGAGAGTCTTCATTTCCATAGATGATGAAGCCCATCTC-3'
Protein context (NP_004854.1, residues 465-485): DSPVVPLMLY[Met475Val]PAKIGAFGRE

ClinVar aggregate classification (germline): Uncertain significance (1 of 4 stars; one submission).

Conditions:
Neuropathy, hereditary sensory and autonomic, type 1C. Also called: HSAN IC; HSN IC. Identifiers: Orphanet 36386, MedGen C3150896, MONDO:0013337, OMIM 613640.

Allele frequency attached by ClinVar (database versions not stated): gnomAD exomes below 0.00001; TOPMed below 0.00001; ExAC 0.00001; gnomAD 0.00001.
gnomAD v4.1: 5 of 1,614,040 alleles (0.00031%); highest among the groups gnomAD compares: Non-Finnish European, 0.00042%; no homozygotes.

Submission:

Labcorp Genetics (formerly Invitae), Labcorp
Classification: Uncertain significance for Neuropathy, hereditary sensory and autonomic, type 1C. Last evaluated: 2023-05-16. Review status: criteria provided, single submitter. Criteria: Invitae Variant Classification Sherloc (09022015). Collection method: clinical testing. Allele origin: germline.
Comment: This sequence change replaces methionine, which is neutral and non-polar, with valine, which is neutral and non-polar, at codon 475 of the SPTLC2 protein (p.Met475Val). This variant is present in population databases (rs779636212, gnomAD 0.002%). This variant has not been reported in the literature in individuals affected with SPTLC2-related conditions. Advanced modeling of protein sequence and biophysical properties (such as structural, functional, and spatial information, amino acid conservation, physicochemical variation, residue mobility, and thermodynamic stability) performed at Invitae indicates that this missense variant is not expected to disrupt SPTLC2 protein function. In summary, the available evidence is currently insufficient to determine the role of this variant in disease. Therefore, it has been classified as a Variant of Uncertain Significance.